The following is an entry in ClinVar:

ClinVar aggregate classification (germline): Benign/Likely benign. Review status: criteria provided, multiple submitters, no conflicts (2 of 4 stars). 5 submissions from 5 submitters: Benign (1); Likely benign (4). Last evaluated 2026-01-12.

Conditions:
Familial encephalopathy with neuroserpin inclusion bodies. Also called: ENCEPHALOPATHY, FAMILIAL, WITH COLLINS BODIES. Identifiers: Orphanet 85110, MedGen C1858680, MONDO:0011412, OMIM 604218.

Allele frequency attached by ClinVar (database versions not stated): ESP Exome Variant Server 0.00031; TOPMed 0.00032; gnomAD 0.00042 and 0.00043; 1000 Genomes Project 30x 0.00062; 1000 Genomes Project 0.00080.
gnomAD v4.1: 187 of 1,613,486 alleles (0.012%); highest among the groups gnomAD compares: African/African-American, 0.16%; 1 homozygote.

Submissions (5):

Labcorp Genetics (formerly Invitae), Labcorp
Classification: Likely benign for Familial encephalopathy with neuroserpin inclusion bodies. Last evaluated: 2026-01-12. Review status: criteria provided, single submitter. Criteria: Invitae Variant Classification Sherloc (09022015). Collection method: clinical testing. Allele origin: germline.

Blueprint Genetics
Classification: Likely benign. Last evaluated: 2024-09-23. Review status: criteria provided, single submitter. Criteria: ACMG Guidelines, 2015. Collection method: clinical testing. Allele origin: germline.

CeGaT Center for Human Genetics Tuebingen
Classification: Likely benign. Last evaluated: 2024-05-01. Review status: criteria provided, single submitter. Criteria: CeGaT Center For Human Genetics Tuebingen Variant Classification Criteria Version 2. Collection method: clinical testing. Allele origin: germline. Affected: yes. Observed: 1 variant allele.
Comment: SERPINI1: BP4, BS1:Supporting

Illumina Laboratory Services, Illumina
Classification: Benign for Familial encephalopathy with neuroserpin inclusion bodies. Last evaluated: 2018-01-13. Review status: criteria provided, single submitter. Criteria: ICSL Variant Classification Criteria 13 December 2019. Collection method: clinical testing. Allele origin: germline.
Comment: This variant was observed in the ICSL laboratory as part of a predisposition screen in an ostensibly healthy population. It had not been previously curated by ICSL or reported in the Human Gene Mutation Database (HGMD: prior to June 1st, 2018), and was therefore a candidate for classification through an automated scoring system. Utilizing variant allele frequency, disease prevalence and penetrance estimates, and inheritance mode, an automated score was calculated to assess if this variant is too frequent to cause the disease. Based on the score and internal cut-off values, a variant classified as benign is not then subjected to further curation. The score for this variant resulted in a classification of benign for this disease.

Breakthrough Genomics
Classification: Likely benign. Review status: criteria provided, single submitter. Criteria: ACMG Guidelines, 2015. Collection method: not provided. Allele origin: germline. Inheritance: Autosomal dominant inheritance. Affected: yes.

NM_001122752.2(SERPINI1):c.1183A>G (p.Met395Val)

Gene: SERPINI1 (serpin family I member 1; plus strand). Cytogenetic location: 3q26.1.
Variant type: single nucleotide variant.
Coding change: c.1183A>G on transcript NM_001122752.2 (MANE Select); coding-DNA position 1183, A replaced by G.
Protein change: p.Met395Val; replaces methionine 395 with valine.
Molecular consequence: missense variant.
Genome position (GRCh38, 1-based): chr3:167,825,273, A>G. VCF-style: chr3-167825273-A-G. GRCh37 (hg19) VCF-style: chr3-167543061-A-G.
Other names: c.1183A>G, p.Met395Val (NM_005025.5); short protein forms M395V.
Identifiers: ClinVar variation 344133 (VCV000344133.36), dbSNP rs144637103, ClinGen allele CA2695014.